The following is an entry in ClinVar:

NM_001382391.1(CSPP1):c.3292C>T (p.Arg1098Trp)

Genes: ARFGEF1 (ARF guanine nucleotide exchange factor 1; minus strand), CSPP1 (centrosome and spindle pole associated protein 1; plus strand). Cytogenetic location: 8q13.2.
Variant type: single nucleotide variant.
Coding change: c.3292C>T on transcript NM_001382391.1 (MANE Select); coding-DNA position 3292, C replaced by T.
Protein change: p.Arg1098Trp; replaces arginine 1098 with tryptophan.
Molecular consequence: missense variant. On other transcripts: intron variant (2).
Genome position (GRCh38, 1-based): chr8:67,190,721, C>T. VCF-style: chr8-67190721-C-T. GRCh37 (hg19) VCF-style: chr8-68102956-C-T.
Other names: c.2242C>T, p.Arg748Trp (NM_001291339.2); c.3211C>T, p.Arg1071Trp (NM_001363131.2); c.3097C>T, p.Arg1033Trp (NM_001363132.2); c.3016C>T, p.Arg1006Trp (NM_001363133.2); c.3358C>T, p.Arg1120Trp (NM_001364869.1); c.3178C>T, p.Arg1060Trp (NM_001364870.1); c.3124C>T, p.Arg1042Trp (NM_001438330.1); c.3277C>T, p.Arg1093Trp (NM_001438331.1, NM_024790.7); and 3 more; short protein forms R1006W, R1093W, R1033W, R1060W, R1071W, R1098W, R1120W, R748W.
Identifiers: ClinVar variation 1030874 (VCV001030874.5), dbSNP rs759630451, ClinGen allele CA4771123.

ClinVar aggregate classification (germline): Uncertain significance. Review status: criteria provided, multiple submitters, no conflicts (2 of 4 stars). 3 submissions from 3 submitters: Uncertain significance (3). Last evaluated 2022-09-27.

Conditions:
Joubert syndrome 21 (JBTS21). Identifiers: MedGen C3810212, MONDO:0014288, OMIM 615636.

Allele frequency attached by ClinVar (database versions not stated): gnomAD 0.00002; ExAC 0.00002; TOPMed 0.00003.
gnomAD v4.1: 22 of 1,613,680 alleles (0.0014%); highest among the groups gnomAD compares: African/African-American, 0.0067%; no homozygotes.

Submissions (3):

Labcorp Genetics (formerly Invitae), Labcorp
Classification: Uncertain significance for Joubert syndrome 21. Last evaluated: 2022-09-27. Review status: criteria provided, single submitter. Criteria: Invitae Variant Classification Sherloc (09022015). Collection method: clinical testing. Allele origin: germline.
Comment: In summary, the available evidence is currently insufficient to determine the role of this variant in disease. Therefore, it has been classified as a Variant of Uncertain Significance. Algorithms developed to predict the effect of missense changes on protein structure and function are either unavailable or do not agree on the potential impact of this missense change (SIFT: "Deleterious"; PolyPhen-2: "Probably Damaging"; Align-GVGD: "Class C0"). ClinVar contains an entry for this variant (Variation ID: 1030874). This variant has not been reported in the literature in individuals affected with CSPP1-related conditions. This variant is present in population databases (rs759630451, gnomAD 0.01%). This sequence change replaces arginine, which is basic and polar, with tryptophan, which is neutral and slightly polar, at codon 1093 of the CSPP1 protein (p.Arg1093Trp).

Blueprint Genetics
Classification: Uncertain significance. Last evaluated: 2022-01-03. Review status: criteria provided, single submitter. Criteria: ACMG Guidelines, 2015. Collection method: clinical testing. Allele origin: germline.

Baylor Genetics
Classification: Uncertain significance for Joubert syndrome 21. Last evaluated: 2019-07-12. Review status: criteria provided, single submitter. Criteria: ACMG Guidelines, 2015. Collection method: clinical testing. Allele origin: unknown. Affected: yes.
Comment: This variant was determined to be of uncertain significance according to ACMG Guidelines, 2015 [PMID:25741868].